The following is an entry in ClinVar:

NM_001365999.1(SZT2):c.9536A>G (p.Gln3179Arg)

Genes: SZT2 (SZT2 subunit of KICSTOR complex; plus strand), SZT2-AS1 (SZT2 antisense RNA 1; minus strand). Cytogenetic location: 1p34.2.
Variant type: single nucleotide variant.
Coding change: c.9536A>G on transcript NM_001365999.1 (MANE Select); coding-DNA position 9536, A replaced by G.
Protein change: p.Gln3179Arg; replaces glutamine 3179 with arginine.
Molecular consequence: missense variant.
Genome position (GRCh38, 1-based): chr1:43,447,944, A>G. VCF-style: chr1-43447944-A-G. GRCh37 (hg19) VCF-style: chr1-43913615-A-G.
Other names: c.9365A>G, p.Gln3122Arg (NM_015284.4); short protein forms Q3122R, Q3179R.
Identifiers: ClinVar variation 1046114 (VCV001046114.8), dbSNP rs1655881798, ClinGen allele CA340043629.
Genomic context (GRCh38, chr1:43,447,944, plus strand): 5'-ACCAGGATGACTTTGATGTGTCTCTGCTTGTCTGTCACTGTGCTGCACCCTTTGAGGAGC[A>G]AGGAGAGGCTGAGCGGCACGTTCTGCGGTCAGCAGATCCCCTACCTTGAACATGCCCATT-3'
Protein context (NP_001352928.1, residues 3169-3189): VCHCAAPFEE[Gln3179Arg]GEAERHVLRL

ClinVar aggregate classification (germline): Uncertain significance (1 of 4 stars; one submission).

Submission:

Labcorp Genetics (formerly Invitae), Labcorp
Classification: Uncertain significance. Last evaluated: 2022-06-20. Review status: criteria provided, single submitter. Criteria: Invitae Variant Classification Sherloc (09022015). Collection method: clinical testing. Allele origin: germline.
Comment: In summary, the available evidence is currently insufficient to determine the role of this variant in disease. Therefore, it has been classified as a Variant of Uncertain Significance. Algorithms developed to predict the effect of missense changes on protein structure and function are either unavailable or do not agree on the potential impact of this missense change (SIFT: "Deleterious"; PolyPhen-2: "Probably Damaging"; Align-GVGD: "Class C0"). ClinVar contains an entry for this variant (Variation ID: 1046114). This variant has not been reported in the literature in individuals affected with SZT2-related conditions. This variant is not present in population databases (gnomAD no frequency). This sequence change replaces glutamine, which is neutral and polar, with arginine, which is basic and polar, at codon 3122 of the SZT2 protein (p.Gln3122Arg).